The following is an entry in ClinVar:

ClinVar aggregate classification (germline): Uncertain significance (1 of 4 stars; one submission).

Conditions:
Multiple endocrine neoplasia, type 2 (MEN2). Identifiers: Orphanet 653, MedGen C4048306, MONDO:0019003. Disease mechanism: gain of function.

Allele frequency attached by ClinVar (database versions not stated): gnomAD exomes below 0.00001; ExAC 0.00001.
gnomAD v4.1: 1 of 1,612,554 alleles (0.000062%); highest among the groups gnomAD compares: East Asian, 0.0022%; no homozygotes.

Submission:

Labcorp Genetics (formerly Invitae), Labcorp
Classification: Uncertain significance for Multiple endocrine neoplasia, type 2. Last evaluated: 2022-12-06. Review status: criteria provided, single submitter. Criteria: Invitae Variant Classification Sherloc (09022015). Collection method: clinical testing. Allele origin: germline.
Comment: In summary, the available evidence is currently insufficient to determine the role of this variant in disease. Therefore, it has been classified as a Variant of Uncertain Significance. Variants that disrupt the consensus splice site are a relatively common cause of aberrant splicing (PMID: 17576681, 9536098). Algorithms developed to predict the effect of sequence changes on RNA splicing suggest that this variant is not likely to affect RNA splicing. This variant has not been reported in the literature in individuals affected with RET-related conditions. This variant is present in population databases (rs771883298, gnomAD 0.006%). This sequence change falls in intron 4 of the RET gene. It does not directly change the encoded amino acid sequence of the RET protein. It affects a nucleotide within the consensus splice site.

Literature cited by the submitters: PubMed 17576681; PubMed 9536098.

NM_020975.6(RET):c.867+6T>C

Gene: RET (ret proto-oncogene; plus strand). Cytogenetic location: 10q11.21.
Variant type: single nucleotide variant.
Coding change: c.867+6T>C on transcript NM_020975.6 (MANE Select); 6 bases into the intron after coding-DNA position 867, T replaced by C.
Molecular consequence: intron variant.
Genome position (GRCh38, 1-based): chr10:43,105,199, T>C. VCF-style: chr10-43105199-T-C. GRCh37 (hg19) VCF-style: chr10-43600647-T-C.
Other names: c.867+6T>C (NM_020630.7, NM_001406743.1, NM_001406744.1 and 6 more transcripts); c.625+2570T>C (NM_001406773.1, NM_001406771.1, NM_001406782.1 and 5 more transcripts); c.738+6T>C (NM_001406764.1, NM_001406762.1, NM_001406761.1 and 2 more transcripts); c.496+2570T>C (NM_001406786.1, NM_001406783.1); c.579+6T>C (NM_001406770.1, NM_001406766.1, NM_001406767.1); c.338-3832T>C (NM_001406778.1, NM_001406775.1, NM_001406776.1 and 1 more transcripts); c.337+4477T>C (NM_001406790.1, NM_001406788.1, NM_001406789.1 and 1 more transcripts); c.74-3832T>C (NM_001406784.1); and 2 more.
Identifiers: ClinVar variation 3020159 (VCV003020159.3), dbSNP rs771883298, ClinGen allele CA045252.